The following is an entry in ClinVar:

NM_015259.6(ICOSLG):c.669G>C (p.Gln223His)

Gene: ICOSLG (inducible T cell costimulator ligand; minus strand). Cytogenetic location: 21q22.3.
Variant type: single nucleotide variant.
Coding change: c.669G>C on transcript NM_015259.6 (MANE Select); coding-DNA position 669, G replaced by C.
Protein change: p.Gln223His; replaces glutamine 223 with histidine.
Molecular consequence: missense variant.
Genome position (GRCh38, 1-based): chr21:44,235,300, C>G on the plus strand (G>C on the coding strand, the complement: ICOSLG is on the minus strand). VCF-style: chr21-44235300-C-G. GRCh37 (hg19) VCF-style: chr21-45655183-C-G.
Other names: c.669G>C, p.Gln223His (NM_001283050.2, NM_001395918.1); c.318G>C, p.Gln106His (NM_001283051.2); c.414G>C, p.Gln138His (NM_001283052.2); c.588G>C, p.Gln196His (NM_001365759.2); short protein forms Q106H, Q138H, Q196H, Q223H.
Identifiers: ClinVar variation 2785673 (VCV002785673.3), dbSNP rs1276644729, ClinGen allele CA410614575.

ClinVar aggregate classification (germline): Uncertain significance (1 of 4 stars; one submission).

Submission:

Labcorp Genetics (formerly Invitae), Labcorp
Classification: Uncertain significance. Last evaluated: 2023-08-05. Review status: criteria provided, single submitter. Criteria: Invitae Variant Classification Sherloc (09022015). Collection method: clinical testing. Allele origin: germline.
Comment: In summary, the available evidence is currently insufficient to determine the role of this variant in disease. Therefore, it has been classified as a Variant of Uncertain Significance. Algorithms developed to predict the effect of missense changes on protein structure and function output the following: SIFT: "Not Available"; PolyPhen-2: "Benign"; Align-GVGD: "Not Available". The histidine amino acid residue is found in multiple mammalian species, which suggests that this missense change does not adversely affect protein function. This variant has not been reported in the literature in individuals affected with ICOSLG-related conditions. This variant is not present in population databases (gnomAD no frequency). This sequence change replaces glutamine, which is neutral and polar, with histidine, which is basic and polar, at codon 223 of the ICOSLG protein (p.Gln223His).